The following is an entry in ClinVar:

NM_000143.4(FH):c.159A>C (p.Glu53Asp)

Gene: FH (fumarate hydratase; minus strand). Cytogenetic location: 1q43.
Variant type: single nucleotide variant.
Coding change: c.159A>C on transcript NM_000143.4 (MANE Select); coding-DNA position 159, A replaced by C.
Protein change: p.Glu53Asp; replaces glutamic acid 53 with aspartic acid.
Molecular consequence: missense variant.
Genome position (GRCh38, 1-based): chr1:241,517,290, T>G on the plus strand (A>C on the coding strand, the complement: FH is on the minus strand). VCF-style: chr1-241517290-T-G. GRCh37 (hg19) VCF-style: chr1-241680590-T-G.
Other names: short protein forms E53D.
Identifiers: ClinVar variation 4257330 (VCV004257330.1).

ClinVar aggregate classification (germline): Uncertain significance (1 of 4 stars; one submission).

Conditions:
Hereditary cancer-predisposing syndrome. Also called: Hereditary Cancer Syndrome; Hereditary neoplastic syndrome; Neoplastic Syndromes, Hereditary; Tumor predisposition. Identifiers: Orphanet 140162, MedGen C0027672, MeSH D009386, MONDO:0015356.

Submission:

Ambry Genetics
Classification: Uncertain significance for Hereditary cancer-predisposing syndrome. Last evaluated: 2025-06-16. Review status: criteria provided, single submitter. Criteria: Ambry Variant Classification Scheme 2023. Collection method: clinical testing. Allele origin: germline.
Comment: The p.E53D variant (also known as c.159A>C), located in coding exon 2 of the FH gene, results from an A to C substitution at nucleotide position 159. The glutamic acid at codon 53 is replaced by aspartic acid, an amino acid with highly similar properties. This amino acid position is highly conserved in available vertebrate species. In addition, this alteration is predicted to be deleterious by in silico analysis. Based on the available evidence, the clinical significance of this variant remains unclear.